The following is an entry in ClinVar:

NM_198239.2(CCN6):c.862_863dup (p.Gln289fs)

Gene: CCN6 (cellular communication network factor 6; plus strand). Cytogenetic location: 6q21.
Variant type: Duplication.
Coding change: c.862_863dup on transcript NM_198239.2 (MANE Select); coding-DNA positions 862 to 863, 2 bases duplicated (AC; older notation c.862_863dupAC).
Protein change: p.Gln289fs; shifts the reading frame from glutamine 289.
Molecular consequence: frameshift variant. On other transcripts: non-coding transcript variant (2).
Genome position (GRCh38, 1-based): chr6:112,069,417-112,069,418, AC duplicated. VCF-style (leftmost placement, unchanged base first): chr6-112069416-T-TAC. GRCh37 (hg19) VCF-style: chr6-112390619-T-TAC.
Other names: c.862_863dup, p.Gln289fs (NM_003880.4); c.862_863dupAC (NM_003880.3); short protein forms Q289fs.
Identifiers: ClinVar variation 6385 (VCV000006385.10), dbSNP rs863223286, ClinGen allele CA278864.
Genomic context (GRCh38, chr6:112,069,416, plus strand): 5'-ATGCCAACCTACTTTCCAACTCTCCAAAGCTGAAAAATTTGTCTTTTCTGGATGCTCAAG[T>TAC]ACTCAGAGTTACAAACCCACTTTTTGTGGAATATGCTTGGATAAGAGATGCTGTATCCCT-3'

ClinVar aggregate classification (germline): Pathogenic/Likely pathogenic. Review status: criteria provided, multiple submitters, no conflicts (2 of 4 stars). 4 submissions from 4 submitters: Pathogenic (2); Likely pathogenic (1). 1 of the submissions does not count toward it. Last evaluated 2026-01-31.

Conditions:
CCN6-related disorder. Also called: CCN6-related condition.
Progressive pseudorheumatoid dysplasia (PPRD). Also called: Progressive Pseudorheumatoid Arthropathy of Childhood; SPONDYLOEPIPHYSEAL DYSPLASIA TARDA WITH PROGRESSIVE ARTHROPATHY. Identifiers: Orphanet 1159, MedGen C0432215, MONDO:0008827, OMIM 208230. Disease mechanism: loss of function.

Allele frequency attached by ClinVar (database versions not stated): ExAC 0.00002; gnomAD exomes 0.00005 and 0.00016; TOPMed 0.00006; gnomAD 0.00007.

Submissions (4):

Labcorp Genetics (formerly Invitae), Labcorp
Classification: Pathogenic. Last evaluated: 2026-01-31. Review status: criteria provided, single submitter. Criteria: Invitae Variant Classification Sherloc (09022015). Collection method: clinical testing. Allele origin: germline.
Comment: This sequence change creates a premature translational stop signal (p.Gln289Leufs*25) in the WISP3 gene. While this is not anticipated to result in nonsense mediated decay, it is expected to disrupt the last 66 amino acid(s) of the WISP3 protein. This variant is present in population databases (rs782611561, gnomAD 0.01%). This premature translational stop signal has been observed in individual(s) with progressive pseudorheumatoid dysplasia (PMID: 10471507, 22791401). In at least one individual the data is consistent with being in trans (on the opposite chromosome) from a pathogenic variant. This variant is also known as 863insAC. ClinVar contains an entry for this variant (Variation ID: 6385). This variant disrupts a region of the WISP3 protein in which other variant(s) (p.Ser290Leufs*12) have been determined to be pathogenic (PMID: 10471507, 22791401, 29258992). This suggests that this is a clinically significant region of the protein, and that variants that disrupt it are likely to be disease-causing. For these reasons, this variant has been classified as Pathogenic.

GeneDx
Classification: Likely pathogenic. Last evaluated: 2023-04-20. Review status: criteria provided, single submitter. Criteria: GeneDx Variant Classification Process June 2021. Collection method: clinical testing. Allele origin: germline. Affected: yes.
Comment: Frameshift variant predicted to result in protein truncation, as the last 66 amino acids are replaced with 24 different amino acids, and other loss-of-function variants have been reported downstream in HGMD; This variant is associated with the following publications: (PMID: 29092958, 29246200, 22685593, 10471507, 22791401)

PreventionGenetics, part of Exact Sciences
Classification: Pathogenic for CCN6-related condition. Last evaluated: 2022-09-02. Review status: criteria provided, single submitter. Criteria: ACMG Guidelines, 2015. Collection method: clinical testing. Allele origin: germline.
Comment: The CCN6 c.862_863dupAC variant is predicted to result in a frameshift and premature protein termination (p.Gln289Leufs*25). This variant was reported in an individual with progressive pseudorheumatoid dysplasia (described as c.863insAC, Hurvitz et al 1999. PubMed ID: 10471507). This variant is reported in 0.010% of alleles in individuals of European (Non-Finnish) descent in gnomAD. Frameshift variants in CCN6 are expected to be pathogenic. This variant is interpreted as pathogenic.

OMIM
Classification: Pathogenic for PROGRESSIVE PSEUDORHEUMATOID ARTHROPATHY. Last evaluated: 1999-09-01. Review status: no assertion criteria provided. Collection method: literature only. Allele origin: germline. Not counted in ClinVar's aggregate classification.

Literature cited by the submitters: PubMed 10471507 (cited by Labcorp Genetics (formerly Invitae), Labcorp and OMIM); PubMed 22791401 (cited by Labcorp Genetics (formerly Invitae), Labcorp); PubMed 29258992 (cited by Labcorp Genetics (formerly Invitae), Labcorp).